The following is an entry in ClinVar:

NM_001134793.2(HYLS1):c.655T>G (p.Tyr219Asp)

Genes: HYLS1 (HYLS1 centriolar and ciliogenesis associated; plus strand), PUS3 (pseudouridine synthase 3; minus strand). Cytogenetic location: 11q24.2.
Variant type: single nucleotide variant.
Coding change: c.655T>G on transcript NM_001134793.2 (MANE Select); coding-DNA position 655, T replaced by G.
Protein change: p.Tyr219Asp; replaces tyrosine 219 with aspartic acid.
Molecular consequence: missense variant. On other transcripts: intron variant (2).
Genome position (GRCh38, 1-based): chr11:125,900,023, T>G. VCF-style: chr11-125900023-T-G. GRCh37 (hg19) VCF-style: chr11-125769918-T-G.
Other names: c.655T>G, p.Tyr219Asp (NM_001377269.1, NM_001377270.1, NM_001424364.1 and 1 more transcripts); c.-247+3147A>C (NM_001271985.2); c.-47+3147A>C (NM_031307.4); short protein forms Y219D.
Identifiers: ClinVar variation 3009415 (VCV003009415.3), dbSNP rs2497074255, ClinGen allele CA383205436.

ClinVar aggregate classification (germline): Uncertain significance (1 of 4 stars; one submission).

Submission:

Labcorp Genetics (formerly Invitae), Labcorp
Classification: Uncertain significance. Last evaluated: 2024-01-05. Review status: criteria provided, single submitter. Criteria: Invitae Variant Classification Sherloc (09022015). Collection method: clinical testing. Allele origin: germline.
Comment: This sequence change replaces tyrosine, which is neutral and polar, with aspartic acid, which is acidic and polar, at codon 219 of the HYLS1 protein (p.Tyr219Asp). This variant is not present in population databases (gnomAD no frequency). This variant has not been reported in the literature in individuals affected with HYLS1-related conditions. An algorithm developed to predict the effect of missense changes on protein structure and function (PolyPhen-2) suggests that this variant is likely to be disruptive. In summary, the available evidence is currently insufficient to determine the role of this variant in disease. Therefore, it has been classified as a Variant of Uncertain Significance.